The following is an entry in ClinVar:

NM_003000.3(SDHB):c.286+3G>A

Gene: SDHB (succinate dehydrogenase complex iron sulfur subunit B; minus strand). Cytogenetic location: 1p36.13.
Variant type: single nucleotide variant.
Coding change: c.286+3G>A on transcript NM_003000.3 (MANE Select); 3 bases into the intron after coding-DNA position 286, G replaced by A.
Molecular consequence: intron variant.
Genome position (GRCh38, 1-based): chr1:17,033,057, C>T on the plus strand (G>A on the coding strand, the complement: SDHB is on the minus strand). VCF-style: chr1-17033057-C-T. GRCh37 (hg19) VCF-style: chr1-17359552-C-T.
Identifiers: ClinVar variation 960227 (VCV000960227.6), dbSNP rs2078031816, ClinGen allele CA658655528.

ClinVar aggregate classification (germline): Uncertain significance. Review status: criteria provided, multiple submitters, no conflicts (2 of 4 stars). 2 submissions from 2 submitters: Uncertain significance (2). Last evaluated 2024-10-11.

Conditions:
Hereditary cancer-predisposing syndrome. Also called: Hereditary neoplastic syndrome; Neoplastic Syndromes, Hereditary; Hereditary Cancer Syndrome; Tumor predisposition. Identifiers: Orphanet 140162, MedGen C0027672, MeSH D009386, MONDO:0015356.
Gastrointestinal stromal tumor. Also called: Gastrointestinal stromal tumor, somatic; Gastrointestinal stroma tumor. Identifiers: Orphanet 44890, MedGen C0238198, MeSH D046152, MONDO:0011719, OMIM 606764, HP:0100723.
Pheochromocytoma/paraganglioma syndrome 4. Also called: CAROTID BODY TUMORS AND MULTIPLE EXTRAADRENAL PHEOCHROMOCYTOMAS; SDHB-Related Hereditary Paraganglioma-Pheochromocytoma Syndrome; Paragangliomas 4; SDHB-Related Hereditary Paraganglioma-Pheochromocytoma Syndrome (Paragangliomas 4); PARAGANGLIOMA, FAMILIAL MALIGNANT; PARAGANGLIOMAS, HEREDITARY EXTRAADRENAL. Identifiers: Orphanet 29072, MedGen C1861848, MONDO:0007273, OMIM 115310.
Pheochromocytoma. Also called: MAX-Related Hereditary Paraganglioma-Pheochromocytoma Syndrome. Identifiers: Orphanet 29072, MedGen C0031511, MONDO:0008233, OMIM 171300, HP:0002666.

Allele frequency attached by ClinVar (database versions not stated): gnomAD exomes below 0.00001.
gnomAD v4.1: 1 of 1,611,160 alleles (0.000062%); highest among the groups gnomAD compares: Non-Finnish European, 0.000085%; no homozygotes.

Submissions (2):

Ambry Genetics
Classification: Uncertain significance for Hereditary cancer-predisposing syndrome. Last evaluated: 2024-10-11. Review status: criteria provided, single submitter. Criteria: Ambry Variant Classification Scheme 2023. Collection method: clinical testing. Allele origin: germline.
Comment: The c.286+3G>A intronic variant results from a G to A substitution 3 nucleotides after coding exon 3 in the SDHB gene. This nucleotide position is poorly conserved in available vertebrate species. In silico splice site analysis predicts that this alteration will not have any significant effect on splicing. Based on the available evidence, the clinical significance of this variant remains unclear.

Labcorp Genetics (formerly Invitae), Labcorp
Classification: Uncertain significance for Gastrointestinal stromal tumor; Pheochromocytoma/paraganglioma syndrome 4; Pheochromocytoma. Last evaluated: 2024-09-29. Review status: criteria provided, single submitter. Criteria: Invitae Variant Classification Sherloc (09022015). Collection method: clinical testing. Allele origin: germline.
Comment: This sequence change falls in intron 3 of the SDHB gene. It does not directly change the encoded amino acid sequence of the SDHB protein. It affects a nucleotide within the consensus splice site. This variant is not present in population databases (gnomAD no frequency). This variant has not been reported in the literature in individuals affected with SDHB-related conditions. ClinVar contains an entry for this variant (Variation ID: 960227). Variants that disrupt the consensus splice site are a relatively common cause of aberrant splicing (PMID: 17576681, 9536098). Algorithms developed to predict the effect of sequence changes on RNA splicing suggest that this variant is not likely to affect RNA splicing. In summary, the available evidence is currently insufficient to determine the role of this variant in disease. Therefore, it has been classified as a Variant of Uncertain Significance.

Literature cited by the submitters: PubMed 17576681 (cited by Labcorp Genetics (formerly Invitae), Labcorp); PubMed 9536098 (cited by Labcorp Genetics (formerly Invitae), Labcorp).